The following is an entry in ClinVar:

NM_004722.4(AP4M1):c.1152_1160dup (p.Pro389_Ser390insGlyProPro)

Gene: AP4M1 (adaptor related protein complex 4 subunit mu 1; plus strand). Cytogenetic location: 7q22.1.
Variant type: Duplication.
Coding change: c.1152_1160dup on transcript NM_004722.4 (MANE Select); coding-DNA positions 1152 to 1160, 9 bases duplicated (GCCCCCAGG; older notation c.1152_1160dupGCCCCCAGG).
Protein change: p.Pro389_Ser390insGlyProPro.
Genome position (GRCh38, 1-based): chr7:100,106,672-100,106,680, GCCCCCAGG duplicated; duplicating any 9 consecutive bases within chr7:100,106,666-100,106,680 gives the same sequence; the c. name uses the placement nearest the transcript's 3' end. VCF-style (leftmost placement, unchanged base first): chr7-100106665-T-TCCCAGGGCC. GRCh37 (hg19) VCF-style: chr7-99704288-T-TCCCAGGGCC.
Other names: c.1173_1181dup, p.Pro396_Ser397insGlyProPro (NM_001363671.2).
Identifiers: ClinVar variation 3365877 (VCV003365877.1).

ClinVar aggregate classification (germline): Uncertain significance (1 of 4 stars; one submission).

Submission:

GeneDx
Classification: Uncertain significance. Last evaluated: 2023-12-21. Review status: criteria provided, single submitter. Criteria: GeneDx Variant Classification Process June 2021. Collection method: clinical testing. Allele origin: germline. Affected: yes.
Comment: Not observed at significant frequency in large population cohorts (gnomAD); In-frame insertion of 3 amino acids in a non-repeat region; Has not been previously published as pathogenic or benign to our knowledge